The following is an entry in ClinVar:

ClinVar aggregate classification (germline): Uncertain significance. Review status: criteria provided, multiple submitters, no conflicts (2 of 4 stars). 2 submissions from 2 submitters: Uncertain significance (2). Last evaluated 2026-05-05.

Conditions:
Cardiovascular phenotype. Identifiers: MedGen CN230736.
CACNB2-related disorder. Also called: CACNB2-related condition.

Allele frequency attached by ClinVar (database versions not stated): ExAC 0.00001; gnomAD 0.00003; TOPMed 0.00003.
gnomAD v4.1: 4 of 1,613,978 alleles (0.00025%); highest among the groups gnomAD compares: African/African-American, 0.004%; no homozygotes.

Submissions (2):

PreventionGenetics, part of Exact Sciences
Classification: Uncertain significance for CACNB2-related condition. Last evaluated: 2026-05-05. Review status: criteria provided, single submitter. Criteria: ACMG Guidelines, 2015. Collection method: clinical testing. Allele origin: germline.
Comment: The CACNB2 c.1499C>T variant is predicted to result in the amino acid substitution p.Thr500Ile. To our knowledge, this variant has not been reported in the literature. This variant is reported in 0.016% of alleles in individuals of African descent in gnomAD. At this time, the clinical significance of this variant is uncertain due to the absence of conclusive functional and genetic evidence.

Ambry Genetics
Classification: Uncertain significance for Cardiovascular phenotype. Last evaluated: 2023-03-25. Review status: criteria provided, single submitter. Criteria: Ambry Variant Classification Scheme 2023. Collection method: clinical testing. Allele origin: germline.
Comment: The p.T500I variant (also known as c.1499C>T), located in coding exon 13 of the CACNB2 gene, results from a C to T substitution at nucleotide position 1499. The threonine at codon 500 is replaced by isoleucine, an amino acid with similar properties. This amino acid position is conserved. In addition, this alteration is predicted to be deleterious by in silico analysis. Since supporting evidence is limited at this time, the clinical significance of this alteration remains unclear.

NM_201596.3(CACNB2):c.1661C>T (p.Thr554Ile)

Gene: CACNB2 (calcium voltage-gated channel auxiliary subunit beta 2; plus strand). Cytogenetic location: 10p12.31.
Variant type: single nucleotide variant.
Coding change: c.1661C>T on transcript NM_201596.3 (MANE Select); coding-DNA position 1661, C replaced by T.
Protein change: p.Thr554Ile; replaces threonine 554 with isoleucine.
Molecular consequence: missense variant.
Genome position (GRCh38, 1-based): chr10:18,539,402, C>T. VCF-style: chr10-18539402-C-T. GRCh37 (hg19) VCF-style: chr10-18828331-C-T.
Other names: c.1496C>T, p.Thr499Ile (NM_000724.4); c.1463C>T, p.Thr488Ile (NM_001167945.2); c.1382C>T, p.Thr461Ile (NM_001330060.2); c.1403C>T, p.Thr468Ile (NM_001410882.1); c.1517C>T, p.Thr506Ile (NM_201570.3); c.1577C>T, p.Thr526Ile (NM_201571.4); c.1505C>T, p.Thr502Ile (NM_201572.4); c.1499C>T, p.Thr500Ile (NM_201590.3); and 2 more; short protein forms T488I, T502I, T468I, T516I, T526I, T554I, T461I, T499I.
Identifiers: ClinVar variation 2562816 (VCV002562816.3), dbSNP rs775838783, ClinGen allele CA5430122.